The following is an entry in ClinVar:

NM_000081.4(LYST):c.986G>A (p.Arg329Gln)

Gene: LYST (lysosomal trafficking regulator; minus strand). Cytogenetic location: 1q42.3.
Variant type: single nucleotide variant.
Coding change: c.986G>A on transcript NM_000081.4 (MANE Select); coding-DNA position 986, G replaced by A.
Protein change: p.Arg329Gln; replaces arginine 329 with glutamine.
Molecular consequence: missense variant.
Genome position (GRCh38, 1-based): chr1:235,809,832, C>T on the plus strand (G>A on the coding strand, the complement: LYST is on the minus strand). VCF-style: chr1-235809832-C-T. GRCh37 (hg19) VCF-style: chr1-235973132-C-T.
Other names: c.986G>A, p.Arg329Gln (NM_001301365.1); c.986G>A (NM_000081.2); short protein forms R329Q.
Identifiers: ClinVar variation 1357275 (VCV001357275.5), dbSNP rs368218330, ClinGen allele CA1467531.

ClinVar aggregate classification (germline): Uncertain significance. Review status: criteria provided, multiple submitters, no conflicts (2 of 4 stars). 2 submissions from 2 submitters: Uncertain significance (2). Last evaluated 2026-01-26.

Conditions:
Inborn genetic diseases. Identifiers: MedGen C0950123, MeSH D030342.
Chédiak-Higashi syndrome (CHS). Also called: Chediak-Higashi Syndrome. Identifiers: Orphanet 167, MedGen C0007965, MONDO:0008963, OMIM 214500.

Allele frequency attached by ClinVar (database versions not stated): ExAC 0.00002; gnomAD 0.00007; ESP Exome Variant Server 0.00008; TOPMed 0.00008.
gnomAD v4.1: 34 of 1,613,810 alleles (0.0021%); highest among the groups gnomAD compares: African/African-American, 0.031%; no homozygotes.

Submissions (2):

Labcorp Genetics (formerly Invitae), Labcorp
Classification: Uncertain significance for Chédiak-Higashi syndrome. Last evaluated: 2026-01-26. Review status: criteria provided, single submitter. Criteria: Invitae Variant Classification Sherloc (09022015). Collection method: clinical testing. Allele origin: germline.
Comment: This sequence change replaces arginine, which is basic and polar, with glutamine, which is neutral and polar, at codon 329 of the LYST protein (p.Arg329Gln). This variant is present in population databases (rs368218330, gnomAD 0.02%). This variant has not been reported in the literature in individuals affected with LYST-related conditions. ClinVar contains an entry for this variant (Variation ID: 1357275). Invitae Evidence Modeling of protein sequence and biophysical properties (such as structural, functional, and spatial information, amino acid conservation, physicochemical variation, residue mobility, and thermodynamic stability) indicates that this missense variant is not expected to disrupt LYST protein function with a negative predictive value of 80%. In summary, the available evidence is currently insufficient to determine the role of this variant in disease. Therefore, it has been classified as a Variant of Uncertain Significance.

Ambry Genetics
Classification: Uncertain significance for Inborn genetic diseases. Last evaluated: 2025-03-22. Review status: criteria provided, single submitter. Criteria: Ambry Variant Classification Scheme 2023. Collection method: clinical testing. Allele origin: germline.